The following is an entry in ClinVar:

NM_000492.4(CFTR):c.4081C>T (p.Leu1361Phe)

Gene: CFTR (CF transmembrane conductance regulator; plus strand). Cytogenetic location: 7q31.2.
Variant type: single nucleotide variant.
Coding change: c.4081C>T on transcript NM_000492.4 (MANE Select); coding-DNA position 4081, C replaced by T.
Protein change: p.Leu1361Phe; replaces leucine 1361 with phenylalanine.
Molecular consequence: missense variant.
Genome position (GRCh38, 1-based): chr7:117,664,805, C>T. VCF-style: chr7-117664805-C-T. GRCh37 (hg19) VCF-style: chr7-117304859-C-T.
Other names: short protein forms L1361F.
Identifiers: ClinVar variation 3266693 (VCV003266693.1).

ClinVar aggregate classification (germline): Uncertain significance (1 of 4 stars; one submission).

Conditions:
Cystic fibrosis (CF). Also called: MUCOVISCIDOSIS. Identifiers: Orphanet 586, MedGen C0010674, MONDO:0009061, OMIM 219700. Disease mechanism: loss of function.

Submission:

Ambry Genetics
Classification: Uncertain significance for Cystic fibrosis. Last evaluated: 2024-05-31. Review status: criteria provided, single submitter. Criteria: Ambry Variant Classification Scheme 2023. Collection method: clinical testing. Allele origin: germline.
Comment: The p.L1361F variant (also known as c.4081C>T), located in coding exon 25 of the CFTR gene, results from a C to T substitution at nucleotide position 4081. The leucine at codon 1361 is replaced by phenylalanine, an amino acid with highly similar properties. This amino acid position is conserved. In addition, this alteration is predicted to be deleterious by in silico analysis. Based on the available evidence, the clinical significance of this variant remains unclear.